The following is an entry in ClinVar:

ClinVar aggregate classification (germline): Uncertain significance (1 of 4 stars; one submission).

Conditions:
Hereditary cancer-predisposing syndrome. Also called: Tumor predisposition; Hereditary Cancer Syndrome; Neoplastic Syndromes, Hereditary; Hereditary neoplastic syndrome. Identifiers: Orphanet 140162, MedGen C0027672, MeSH D009386, MONDO:0015356.

Submission:

Labcorp Genetics (formerly Invitae), Labcorp
Classification: Uncertain significance for Hereditary cancer-predisposing syndrome. Last evaluated: 2021-12-23. Review status: criteria provided, single submitter. Criteria: Invitae Variant Classification Sherloc (09022015). Collection method: clinical testing. Allele origin: germline.
Comment: In summary, the available evidence is currently insufficient to determine the role of this variant in disease. Therefore, it has been classified as a Variant of Uncertain Significance. Algorithms developed to predict the effect of missense changes on protein structure and function are either unavailable or do not agree on the potential impact of this missense change (SIFT: "Tolerated"; PolyPhen-2: "Probably Damaging"; Align-GVGD: "Class C0"). This variant has not been reported in the literature in individuals affected with RAD50-related conditions. This variant is not present in population databases (gnomAD no frequency). This sequence change replaces proline, which is neutral and non-polar, with serine, which is neutral and polar, at codon 70 of the RAD50 protein (p.Pro70Ser).

NM_005732.4(RAD50):c.208C>T (p.Pro70Ser)

Gene: RAD50 (RAD50 double strand break repair protein; plus strand). Cytogenetic location: 5q31.1.
Variant type: single nucleotide variant.
Coding change: c.208C>T on transcript NM_005732.4 (MANE Select); coding-DNA position 208, C replaced by T.
Protein change: p.Pro70Ser; replaces proline 70 with serine.
Molecular consequence: missense variant.
Genome position (GRCh38, 1-based): chr5:132,559,362, C>T. VCF-style: chr5-132559362-C-T. GRCh37 (hg19) VCF-style: chr5-131895054-C-T.
Other names: short protein forms P70S.
Identifiers: ClinVar variation 2055607 (VCV002055607.4), dbSNP rs2479579832, ClinGen allele CA360953831.